The following is an entry in ClinVar:

NM_001655.5(ARCN1):c.614T>C (p.Ile205Thr)

Gene: ARCN1 (archain 1 coat protein complex I subunit delta; plus strand). Cytogenetic location: 11q23.3.
Variant type: single nucleotide variant.
Coding change: c.614T>C on transcript NM_001655.5 (MANE Select); coding-DNA position 614, T replaced by C.
Protein change: p.Ile205Thr; replaces isoleucine 205 with threonine.
Molecular consequence: missense variant. On other transcripts: non-coding transcript variant (2).
Genome position (GRCh38, 1-based): chr11:118,583,975, T>C. VCF-style: chr11-118583975-T-C. GRCh37 (hg19) VCF-style: chr11-118454690-T-C.
Other names: c.350T>C, p.Ile117Thr (NM_001142281.2, NM_001425081.1); c.614T>C, p.Ile205Thr (NM_001425073.1, NM_001425077.1, NM_001425078.1); c.611T>C, p.Ile204Thr (NM_001425074.1, NM_001425079.1); c.557T>C, p.Ile186Thr (NM_001425075.1); c.545T>C, p.Ile182Thr (NM_001425076.1); c.170T>C, p.Ile57Thr (NM_001425080.1); short protein forms I182T, I186T, I204T, I205T, I117T, I57T.
Identifiers: ClinVar variation 3708268 (VCV003708268.2).

ClinVar aggregate classification (germline): Uncertain significance (1 of 4 stars; one submission).

gnomAD v4.1: 24 of 1,614,084 alleles (0.0015%); highest among the groups gnomAD compares: African/African-American, 0.0027%; no homozygotes.

Submission:

Labcorp Genetics (formerly Invitae), Labcorp
Classification: Uncertain significance. Last evaluated: 2024-04-11. Review status: criteria provided, single submitter. Criteria: Invitae Variant Classification Sherloc (09022015). Collection method: clinical testing. Allele origin: germline.
Comment: This sequence change replaces isoleucine, which is neutral and non-polar, with threonine, which is neutral and polar, at codon 205 of the ARCN1 protein (p.Ile205Thr). This variant is present in population databases (no rsID available, gnomAD 0.004%). This variant has not been reported in the literature in individuals affected with ARCN1-related conditions. An algorithm developed to predict the effect of missense changes on protein structure and function (PolyPhen-2) suggests that this variant is likely to be tolerated. In summary, the available evidence is currently insufficient to determine the role of this variant in disease. Therefore, it has been classified as a Variant of Uncertain Significance.